The following is an entry in ClinVar:

ClinVar aggregate classification (germline): Uncertain significance (1 of 4 stars; one submission).

Conditions:
Charcot-Marie-Tooth disease type 2. Also called: Charcot-Marie-Tooth type 2. Identifiers: Orphanet 64746, MedGen C0270914, MONDO:0018993.

Submission:

Labcorp Genetics (formerly Invitae), Labcorp
Classification: Uncertain significance for Charcot-Marie-Tooth disease type 2. Last evaluated: 2021-10-10. Review status: criteria provided, single submitter. Criteria: Invitae Variant Classification Sherloc (09022015). Collection method: clinical testing. Allele origin: germline.
Comment: This sequence change affects codon 634 of the GARS mRNA. It is a 'silent' change, meaning that it does not change the encoded amino acid sequence of the GARS protein. It affects a nucleotide within the consensus splice site. This variant is not present in population databases (ExAC no frequency). This variant has not been reported in the literature in individuals affected with GARS-related conditions. Algorithms developed to predict the effect of sequence changes on RNA splicing suggest that this variant is not likely to affect RNA splicing. In summary, the available evidence is currently insufficient to determine the role of this variant in disease. Therefore, it has been classified as a Variant of Uncertain Significance.

NM_002047.4(GARS1):c.1902A>G (p.Leu634=)

Gene: GARS1 (glycyl-tRNA synthetase 1; plus strand). Cytogenetic location: 7p14.3.
Variant type: single nucleotide variant.
Coding change: c.1902A>G on transcript NM_002047.4 (MANE Select); coding-DNA position 1902, A replaced by G.
Protein change: p.Leu634=; no amino-acid change (leucine 634 retained).
Molecular consequence: synonymous variant.
Genome position (GRCh38, 1-based): chr7:30,631,540, A>G. VCF-style: chr7-30631540-A-G. GRCh37 (hg19) VCF-style: chr7-30671156-A-G.
Other names: c.1740A>G, p.Leu580= (NM_001316772.1).
Identifiers: ClinVar variation 1680954 (VCV001680954.6), dbSNP rs2128136213, ClinGen allele CA454260532.